The following is an entry in ClinVar:

NM_000494.4(COL17A1):c.384T>C (p.Ser128=)

Gene: COL17A1 (collagen type XVII alpha 1 chain; minus strand). Cytogenetic location: 10q25.1.
Variant type: single nucleotide variant.
Coding change: c.384T>C on transcript NM_000494.4 (MANE Select); coding-DNA position 384, T replaced by C.
Protein change: p.Ser128=; no amino-acid change (serine 128 retained).
Molecular consequence: synonymous variant.
Genome position (GRCh38, 1-based): chr10:104,073,241, A>G on the plus strand (T>C on the coding strand, the complement: COL17A1 is on the minus strand). VCF-style: chr10-104073241-A-G. GRCh37 (hg19) VCF-style: chr10-105832999-A-G.
Other names: c.384T>C, p.Ser128= (LRG_1249t1).
Identifiers: ClinVar variation 298751 (VCV000298751.17), dbSNP rs17116460, ClinGen allele CA5679449.

ClinVar aggregate classification (germline): Benign. Review status: criteria provided, multiple submitters, no conflicts (2 of 4 stars). 4 submissions from 4 submitters: Benign (4). Last evaluated 2026-01-28.

Conditions:
Junctional epidermolysis bullosa, non-Herlitz type. Also called: EPIDERMOLYSIS BULLOSA JUNCTIONALIS, DISENTIS TYPE; EPIDERMOLYSIS BULLOSA JUNCTIONALIS, NON-HERLITZ TYPE; EPIDERMOLYSIS BULLOSA JUNCTIONALIS, PROGRESSIVE; EPIDERMOLYSIS BULLOSA JUNCTIONALIS, SEVERE NONLETHAL; Adult junctional epidermolysis bullosa; Epidermolysis bullosa, junctional, non-herlitz type, somatic mosaic revertant. Identifiers: Orphanet 251393, Orphanet 79402, Orphanet 79405, Orphanet 89840, MedGen C0268374, MONDO:0009180, OMIM 226650.

Allele frequency attached by ClinVar (database versions not stated): 1000 Genomes Project 0.01478; gnomAD 0.01663 and 0.01786; 1000 Genomes Project 30x 0.01796; TOPMed 0.01835; ESP Exome Variant Server 0.01915.

Submissions (4):

Labcorp Genetics (formerly Invitae), Labcorp
Classification: Benign. Last evaluated: 2026-01-28. Review status: criteria provided, single submitter. Criteria: Invitae Variant Classification Sherloc (09022015). Collection method: clinical testing. Allele origin: germline.

GeneDx
Classification: Benign. Last evaluated: 2021-05-04. Review status: criteria provided, single submitter. Criteria: GeneDx Variant Classification Process June 2021. Collection method: clinical testing. Allele origin: germline. Affected: yes.

Illumina Laboratory Services, Illumina
Classification: Benign for Junctional epidermolysis bullosa, non-Herlitz type. Last evaluated: 2018-01-12. Review status: criteria provided, single submitter. Criteria: ICSL Variant Classification Criteria 13 December 2019. Collection method: clinical testing. Allele origin: germline.
Comment: This variant was observed in the ICSL laboratory as part of a predisposition screen in an ostensibly healthy population. It had not been previously curated by ICSL or reported in the Human Gene Mutation Database (HGMD: prior to June 1st, 2018), and was therefore a candidate for classification through an automated scoring system. Utilizing variant allele frequency, disease prevalence and penetrance estimates, and inheritance mode, an automated score was calculated to assess if this variant is too frequent to cause the disease. Based on the score and internal cut-off values, a variant classified as benign is not then subjected to further curation. The score for this variant resulted in a classification of benign for this disease.

Breakthrough Genomics
Classification: Benign. Review status: criteria provided, single submitter. Criteria: ACMG Guidelines, 2015. Collection method: not provided. Allele origin: germline. Inheritance: Autosomal recessive inheritance. Affected: yes.